The following is an entry in ClinVar:

NM_001376.5(DYNC1H1):c.7549T>C (p.Tyr2517His)

Gene: DYNC1H1 (dynein cytoplasmic 1 heavy chain 1; plus strand). Cytogenetic location: 14q32.31.
Variant type: single nucleotide variant.
Coding change: c.7549T>C on transcript NM_001376.5 (MANE Select); coding-DNA position 7549, T replaced by C.
Protein change: p.Tyr2517His; replaces tyrosine 2517 with histidine.
Molecular consequence: missense variant.
Genome position (GRCh38, 1-based): chr14:102,016,424, T>C. VCF-style: chr14-102016424-T-C. GRCh37 (hg19) VCF-style: chr14-102482761-T-C.
Other names: short protein forms Y2517H.
Identifiers: ClinVar variation 640741 (VCV000640741.10), dbSNP rs1567012503, ClinGen allele CA391002382.
Genomic context (GRCh38, chr14:102,016,424, plus strand): 5'-GCCATACTCTGGTCCCTGTCTGGAGACAGCCGGCTAAAAATGAGAGCAGAGCTGGGTGAA[T>C]ACATCAGAAGAATCACGACCGTGCCTCTGCCCACTGCGCCCAACATACCCATTATCGATT-3'
Protein context (NP_001367.2, residues 2507-2527): RLKMRAELGE[Tyr2517His]IRRITTVPLP

ClinVar aggregate classification (germline): Conflicting classifications of pathogenicity. Review status: criteria provided, conflicting classifications (1 of 4 stars). 2 submissions from 2 submitters: Uncertain significance (1); Likely benign (1). Last evaluated 2022-10-03.

Conditions:
Inborn genetic diseases. Identifiers: MedGen C0950123, MeSH D030342.
Charcot-Marie-Tooth disease axonal type 2O. Also called: Charcot-Marie-Tooth Neuropathy Type 2O; CHARCOT-MARIE-TOOTH NEUROPATHY, AXONAL, TYPE 2O; CHARCOT-MARIE-TOOTH DISEASE, AXONAL, AUTOSOMAL DOMINANT, TYPE 2O; Charcot-Marie-Tooth disease, axonal, type 20. Identifiers: Orphanet 284232, MedGen C3280220, MONDO:0013644, OMIM 614228.

Allele frequency attached by ClinVar (database versions not stated): gnomAD exomes below 0.00001.
gnomAD v4.1: 2 of 1,614,140 alleles (0.00012%); highest among the groups gnomAD compares: Non-Finnish European, 0.00017%; no homozygotes.

Submissions (2):

Labcorp Genetics (formerly Invitae), Labcorp
Classification: Likely benign for Charcot-Marie-Tooth disease axonal type 2O. Last evaluated: 2022-10-03. Review status: criteria provided, single submitter. Criteria: Invitae Variant Classification Sherloc (09022015). Collection method: clinical testing. Allele origin: germline.

Ambry Genetics
Classification: Uncertain significance for Inborn genetic diseases. Last evaluated: 2020-07-30. Review status: criteria provided, single submitter. Criteria: Ambry Variant Classification Scheme 2023. Collection method: clinical testing. Allele origin: germline.
Comment: The p.Y2517H variant (also known as c.7549T>C), located in coding exon 37 of the DYNC1H1 gene, results from a T to C substitution at nucleotide position 7549. The tyrosine at codon 2517 is replaced by histidine, an amino acid with similar properties. This amino acid position is highly conserved in available vertebrate species. In addition, this alteration is predicted to be tolerated by in silico analysis. Since supporting evidence is limited at this time, the clinical significance of this alteration remains unclear.